The following is an entry in ClinVar:

NM_002834.5(PTPN11):c.*838G>A

Gene: PTPN11 (protein tyrosine phosphatase non-receptor type 11; plus strand). Cytogenetic location: 12q24.13.
Variant type: single nucleotide variant.
Coding change: c.*838G>A on transcript NM_002834.5 (MANE Select); 838 bases downstream of the stop codon, G replaced by A.
Molecular consequence: 3 prime UTR variant.
Genome position (GRCh38, 1-based): chr12:112,506,630, G>A. VCF-style: chr12-112506630-G-A. GRCh37 (hg19) VCF-style: chr12-112944434-G-A.
Other names: c.*838G>A (NM_001330437.2, NM_001374625.1).
Identifiers: ClinVar variation 307235 (VCV000307235.5), dbSNP rs142648640, ClinGen allele CA10640260.

ClinVar aggregate classification (germline): Benign/Likely benign. Review status: criteria provided, single submitter (1 of 4 stars). 3 submissions from 1 submitter: Benign (2); Likely benign (1). Last evaluated 2018-01-12.

Conditions:
Metachondromatosis (METCDS). Identifiers: Orphanet 2499, MedGen C0410530, MONDO:0007979, OMIM 156250.
LEOPARD syndrome 1 (LPRD1). Also called: LENTIGINOSIS, CARDIOMYOPATHIC; MULTIPLE LENTIGINES SYNDROME; PTPN11-Related LEOPARD Syndrome. Identifiers: Orphanet 500, MedGen C4551484, MONDO:0100082, OMIM 151100.
Noonan syndrome 1 (NS1). Also called: TURNER PHENOTYPE WITH NORMAL KARYOTYPE; PTPN11-Related Noonan Syndrome; FEMALE PSEUDO-TURNER SYNDROME. Identifiers: Orphanet 648, MedGen C4551602, MONDO:0008104, OMIM 163950. Disease mechanism: gain of function.

Allele frequency attached by ClinVar (database versions not stated): gnomAD 0.00035; TOPMed 0.00049; 1000 Genomes Project 30x 0.00234; 1000 Genomes Project 0.00260.

Submissions (3):

Illumina Laboratory Services, Illumina
Classification: Benign for Metachondromatosis. Last evaluated: 2018-01-12. Review status: criteria provided, single submitter. Criteria: ICSL Variant Classification Criteria 13 December 2019. Collection method: clinical testing. Allele origin: germline.
Comment: This variant was observed in the ICSL laboratory as part of a predisposition screen in an ostensibly healthy population. It had not been previously curated by ICSL or reported in the Human Gene Mutation Database (HGMD: prior to June 1st, 2018), and was therefore a candidate for classification through an automated scoring system. Utilizing variant allele frequency, disease prevalence and penetrance estimates, and inheritance mode, an automated score was calculated to assess if this variant is too frequent to cause the disease. Based on the score and internal cut-off values, a variant classified as benign is not then subjected to further curation. The score for this variant resulted in a classification of benign for this disease.

Illumina Laboratory Services, Illumina
Classification: Likely benign for Noonan syndrome 1. Last evaluated: 2018-01-12. Review status: criteria provided, single submitter. Criteria: ICSL Variant Classification Criteria 13 December 2019. Collection method: clinical testing. Allele origin: germline.
Comment: This variant was observed in the ICSL laboratory as part of a predisposition screen in an ostensibly healthy population. It had not been previously curated by ICSL or reported in the Human Gene Mutation Database (HGMD: prior to June 1st, 2018), and was therefore a candidate for classification through an automated scoring system. Utilizing variant allele frequency, disease prevalence and penetrance estimates, and inheritance mode, an automated score was calculated to assess if this variant is too frequent to cause the disease. Based on the score and internal cut-off values, a variant classified as likely benign is not then subjected to further curation. The score for this variant resulted in a classification of likely benign for this disease.

Illumina Laboratory Services, Illumina
Classification: Benign for LEOPARD syndrome 1. Last evaluated: 2018-01-12. Review status: criteria provided, single submitter. Criteria: ICSL Variant Classification Criteria 13 December 2019. Collection method: clinical testing. Allele origin: germline.
Comment: the same text as in the submission from Illumina Laboratory Services, Illumina above.